The following is an entry in ClinVar:

ClinVar aggregate classification (germline): Likely benign. Review status: criteria provided, single submitter (1 of 4 stars). 2 submissions from 2 submitters: Likely benign (1). 1 of the submissions does not count toward it. Last evaluated 2019-12-31.

Conditions:
EP400-related disorder. Also called: EP400-related condition.

Allele frequency attached by ClinVar (database versions not stated): 1000 Genomes Project 0.00060; 1000 Genomes Project 30x 0.00078; ExAC 0.00207; gnomAD exomes 0.00209 and 0.00390; gnomAD 0.00232 and 0.00244; TOPMed 0.00238; ESP Exome Variant Server 0.00308.
gnomAD v4.1: 5,999 of 1,603,692 alleles (0.37%); highest among the groups gnomAD compares: Non-Finnish European, 0.48%; 18 homozygotes.

Submissions (2):

Labcorp Genetics (formerly Invitae), Labcorp
Classification: Likely benign. Last evaluated: 2019-12-31. Review status: criteria provided, single submitter. Criteria: Invitae Variant Classification Sherloc (09022015). Collection method: clinical testing. Allele origin: germline.

PreventionGenetics, part of Exact Sciences
Classification: Likely benign for EP400-related condition. Last evaluated: 2022-02-16. Review status: no assertion criteria provided. Collection method: clinical testing. Allele origin: germline. Not counted in ClinVar's aggregate classification.
Comment: This variant is classified as likely benign based on ACMG/AMP sequence variant interpretation guidelines (Richards et al. 2015 PMID: 25741868, with internal and published modifications).

NM_015409.5(EP400):c.3428A>G (p.Lys1143Arg)

Gene: EP400 (E1A binding protein p400; plus strand). Cytogenetic location: 12q24.33.
Variant type: single nucleotide variant.
Coding change: c.3428A>G on transcript NM_015409.5 (MANE Select); coding-DNA position 3428, A replaced by G.
Protein change: p.Lys1143Arg; replaces lysine 1143 with arginine.
Molecular consequence: missense variant.
Genome position (GRCh38, 1-based): chr12:132,011,621, A>G. VCF-style: chr12-132011621-A-G. GRCh37 (hg19) VCF-style: chr12-132496166-A-G.
Other names: short protein forms K1143R.
Identifiers: ClinVar variation 777239 (VCV000777239.6), dbSNP rs144638841, ClinGen allele CA6885388.